The following is an entry in ClinVar:

NM_001127222.2(CACNA1A):c.1220A>C (p.Asp407Ala)

Gene: CACNA1A (calcium voltage-gated channel subunit alpha1 A; minus strand). Cytogenetic location: 19p13.13.
Variant type: single nucleotide variant.
Coding change: c.1220A>C on transcript NM_001127222.2 (MANE Select); coding-DNA position 1220, A replaced by C.
Protein change: p.Asp407Ala; replaces aspartic acid 407 with alanine.
Molecular consequence: missense variant.
Genome position (GRCh38, 1-based): chr19:13,332,904, T>G on the plus strand (A>C on the coding strand, the complement: CACNA1A is on the minus strand). VCF-style: chr19-13332904-T-G. GRCh37 (hg19) VCF-style: chr19-13443718-T-G.
Other names: c.1220A>C, p.Asp407Ala (NM_000068.4, NM_001127221.2, NM_001174080.2 and 1 more transcripts); short protein forms D407A.
Identifiers: ClinVar variation 2939235 (VCV002939235.4), dbSNP rs2058491087, ClinGen allele CA404346327.
Genomic context (GRCh38, chr19:13,332,904, plus strand): 5'-CCTGAGGTGGGTTTAGAGCAGTTACCATCAAAGGGATGCCTCTGCTCCCCGTCAGTTTCA[T>G]CCTCGGCGAGGATCACCTCTTCTGAAGAGGAAGAGCACAGAGTTAAGCTCCTGCATTTGG-3'
Protein context (NP_001120694.1, residues 397-417): SKAEEVILAE[Asp407Ala]ETDGEQRHPF

ClinVar aggregate classification (germline): Uncertain significance. Review status: criteria provided, multiple submitters, no conflicts (2 of 4 stars). 2 submissions from 2 submitters: Uncertain significance (2). Last evaluated 2023-09-29.

Conditions:
Episodic ataxia type 2 (EA2). Also called: CEREBELLAR ATAXIA, PAROXYSMAL, ACETAZOLAMIDE-RESPONSIVE; CEREBELLOPATHY, HEREDITARY PAROXYSMAL; EPISODIC ATAXIA, NYSTAGMUS-ASSOCIATED; ACETAZOLAMIDE-RESPONSIVE HEREDITARY PAROXYSMAL CEREBELLAR ATAXIA; ATAXIA, EPISODIC, WITH NYSTAGMUS; ATAXIA, FAMILIAL PAROXYSMAL. Identifiers: Orphanet 97, MedGen C1720416, MONDO:0007163, OMIM 108500.
Developmental and epileptic encephalopathy, 42 (DEE42A). Also called: Epileptic encephalopathy, early infantile, 42; DEVELOPMENTAL AND EPILEPTIC ENCEPHALOPATHY 42A; EPILEPTIC ENCEPHALOPATHY, EARLY INFANTILE, 42A. Identifiers: MedGen C4310716, MONDO:0014917, OMIM 617106.

Allele frequency attached by ClinVar (database versions not stated): gnomAD exomes below 0.00001; TOPMed 0.00001.
gnomAD v4.1: 1 of 1,613,028 alleles (0.000062%); highest among the groups gnomAD compares: Admixed American, 0.0017%; no homozygotes.

Submissions (2):

GeneDx
Classification: Uncertain significance. Last evaluated: 2023-09-29. Review status: criteria provided, single submitter. Criteria: GeneDx Variant Classification Process June 2021. Collection method: clinical testing. Allele origin: germline. Affected: yes.
Comment: Not observed at significant frequency in large population cohorts (gnomAD); In silico analysis supports that this missense variant has a deleterious effect on protein structure/function; Has not been previously published as pathogenic or benign to our knowledge

Labcorp Genetics (formerly Invitae), Labcorp
Classification: Uncertain significance for Developmental and epileptic encephalopathy, 42; Episodic ataxia type 2. Last evaluated: 2023-03-30. Review status: criteria provided, single submitter. Criteria: Invitae Variant Classification Sherloc (09022015). Collection method: clinical testing. Allele origin: germline.
Comment: In summary, the available evidence is currently insufficient to determine the role of this variant in disease. Therefore, it has been classified as a Variant of Uncertain Significance. Advanced modeling of protein sequence and biophysical properties (such as structural, functional, and spatial information, amino acid conservation, physicochemical variation, residue mobility, and thermodynamic stability) performed at Invitae indicates that this missense variant is not expected to disrupt CACNA1A protein function. This variant has not been reported in the literature in individuals affected with CACNA1A-related conditions. This variant is not present in population databases (gnomAD no frequency). This sequence change replaces aspartic acid, which is acidic and polar, with alanine, which is neutral and non-polar, at codon 407 of the CACNA1A protein (p.Asp407Ala).